The following is an entry in ClinVar:

ClinVar aggregate classification (germline): Uncertain significance (1 of 4 stars; one submission).

Conditions:
Hereditary cancer-predisposing syndrome. Also called: Tumor predisposition; Hereditary Cancer Syndrome; Neoplastic Syndromes, Hereditary; Hereditary neoplastic syndrome. Identifiers: Orphanet 140162, MedGen C0027672, MeSH D009386, MONDO:0015356.

Allele frequency attached by ClinVar (database versions not stated): gnomAD exomes below 0.00001.

Submission:

Ambry Genetics
Classification: Uncertain significance for Hereditary cancer-predisposing syndrome. Last evaluated: 2019-02-06. Review status: criteria provided, single submitter. Criteria: Ambry Variant Classification Scheme 2023. Collection method: clinical testing. Allele origin: germline.
Comment: The p.Q283* variant (also known as c.847C>T), located in coding exon 7 of the POLD1 gene, results from a C to T substitution at nucleotide position 847. This changes the amino acid from a glutamine to a stop codon within coding exon 7. This alteration is expected to result in loss of function by premature protein truncation or nonsense-mediated mRNA decay. However, loss of function via haploinsufficiency in POLD1 has not been clearly established as a mechanism of disease. Since supporting evidence is limited at this time, the clinical significance of this alteration remains unclear.

NM_002691.4(POLD1):c.847C>T (p.Gln283Ter)

Gene: POLD1 (DNA polymerase delta 1, catalytic subunit; plus strand). Cytogenetic location: 19q13.33.
Variant type: single nucleotide variant.
Coding change: c.847C>T on transcript NM_002691.4 (MANE Select); coding-DNA position 847, C replaced by T.
Protein change: p.Gln283Ter; replaces glutamine 283 with a stop codon.
Molecular consequence: nonsense. On other transcripts: non-coding transcript variant (1).
Genome position (GRCh38, 1-based): chr19:50,402,618, C>T. VCF-style: chr19-50402618-C-T. GRCh37 (hg19) VCF-style: chr19-50905875-C-T.
Other names: c.847C>T, p.Gln283Ter (NM_001256849.1, NM_001308632.1); short protein forms Q283*.
Identifiers: ClinVar variation 822487 (VCV000822487.4), dbSNP rs1601202330, ClinGen allele CA406976645.